The following is an entry in ClinVar:

NM_005475.3(SH2B3):c.1603C>G (p.Leu535Val)

Gene: SH2B3 (SH2B adaptor protein 3; plus strand). Cytogenetic location: 12q24.12.
Variant type: single nucleotide variant.
Coding change: c.1603C>G on transcript NM_005475.3 (MANE Select); coding-DNA position 1603, C replaced by G.
Protein change: p.Leu535Val; replaces leucine 535 with valine.
Molecular consequence: missense variant.
Genome position (GRCh38, 1-based): chr12:111,448,177, C>G. VCF-style: chr12-111448177-C-G. GRCh37 (hg19) VCF-style: chr12-111885981-C-G.
Other names: c.997C>G, p.Leu333Val (NM_001291424.1); short protein forms L333V, L535V.
Identifiers: ClinVar variation 3341028 (VCV003341028.1).

ClinVar aggregate classification (germline): Uncertain significance (1 of 4 stars; one submission).

gnomAD v4.1: 93 of 1,614,070 alleles (0.0058%); highest among the groups gnomAD compares: Non-Finnish European, 0.0077%; no homozygotes.

Submission:

GeneDx
Classification: Uncertain significance. Last evaluated: 2022-03-04. Review status: criteria provided, single submitter. Criteria: GeneDx Variant Classification Process June 2021. Collection method: clinical testing. Allele origin: germline. Affected: yes.
Comment: In silico analysis supports that this missense variant does not alter protein structure/function; Has not been previously published as pathogenic or benign to our knowledge; Variants in candidate genes are classified as variants of uncertain significance in accordance with ACMG guidelines (Richards 2015)